The following is an entry in ClinVar:

ClinVar aggregate classification (germline): Uncertain significance. Review status: criteria provided, multiple submitters, no conflicts (2 of 4 stars). 2 submissions from 2 submitters: Uncertain significance (2). Last evaluated 2024-06-26.

Conditions:
Inborn genetic diseases. Identifiers: MedGen C0950123, MeSH D030342.

Allele frequency attached by ClinVar (database versions not stated): gnomAD exomes below 0.00001 and 0.00002; gnomAD 0.00001; TOPMed 0.00001; ExAC 0.00003.

Submissions (2):

Ambry Genetics
Classification: Uncertain significance for Inborn genetic diseases. Last evaluated: 2024-06-26. Review status: criteria provided, single submitter. Criteria: Ambry Variant Classification Scheme 2023. Collection method: clinical testing. Allele origin: germline.

Labcorp Genetics (formerly Invitae), Labcorp
Classification: Uncertain significance. Last evaluated: 2022-08-16. Review status: criteria provided, single submitter. Criteria: Invitae Variant Classification Sherloc (09022015). Collection method: clinical testing. Allele origin: germline.
Comment: This sequence change replaces serine, which is neutral and polar, with cysteine, which is neutral and slightly polar, at codon 73 of the GORAB protein (p.Ser73Cys). This variant is present in population databases (rs775867092, gnomAD 0.004%). This variant has not been reported in the literature in individuals affected with GORAB-related conditions. ClinVar contains an entry for this variant (Variation ID: 1362351). Algorithms developed to predict the effect of missense changes on protein structure and function (SIFT, PolyPhen-2, Align-GVGD) all suggest that this variant is likely to be tolerated. In summary, the available evidence is currently insufficient to determine the role of this variant in disease. Therefore, it has been classified as a Variant of Uncertain Significance.

NM_152281.3(GORAB):c.142A>T (p.Ser48Cys)

Gene: GORAB (golgin, RAB6 interacting; plus strand). Cytogenetic location: 1q24.2.
Variant type: single nucleotide variant.
Coding change: c.142A>T on transcript NM_152281.3 (MANE Select); coding-DNA position 142, A replaced by T.
Protein change: p.Ser48Cys; replaces serine 48 with cysteine.
Molecular consequence: missense variant. On other transcripts: 5 prime UTR variant (1), non-coding transcript variant (1).
Genome position (GRCh38, 1-based): chr1:170,539,290, A>T. VCF-style: chr1-170539290-A-T. GRCh37 (hg19) VCF-style: chr1-170508431-A-T.
Other names: c.142A>T, p.Ser48Cys (NM_001146039.2); c.-324A>T (NM_001320252.2); c.217A>T (NM_152281.2); short protein forms S48C.
Identifiers: ClinVar variation 1362351 (VCV001362351.6), dbSNP rs775867092, ClinGen allele CA1239051.